The following is an entry in ClinVar:

NM_015721.3(GEMIN4):c.1216A>G (p.Ile406Val)

Gene: GEMIN4 (gem nuclear organelle associated protein 4; minus strand). Cytogenetic location: 17p13.3.
Variant type: single nucleotide variant.
Coding change: c.1216A>G on transcript NM_015721.3 (MANE Select); coding-DNA position 1216, A replaced by G.
Protein change: p.Ile406Val; replaces isoleucine 406 with valine.
Molecular consequence: missense variant.
Genome position (GRCh38, 1-based): chr17:746,827, T>C on the plus strand (A>G on the coding strand, the complement: GEMIN4 is on the minus strand). VCF-style: chr17-746827-T-C. GRCh37 (hg19) VCF-style: chr17-650067-T-C.
Other names: short protein forms I406V.
Identifiers: ClinVar variation 3099341 (VCV003099341.3), dbSNP rs763922214, ClinGen allele CA8262689.
Genomic context (GRCh38, chr17:746,827, plus strand): 5'-CAAAAATGTAGCACACTTCCATATGGCGGTCCATCTTCTGCTGGATGACGGCCATGGCAA[T>C]GGAAGCTGTGATATCCTCCAAGGCCCTGTTCTTCAGCACCGTGCTCGTTTTCCTCAGGAA-3'
Protein context (NP_056536.2, residues 396-416): NRALEDITAS[Ile406Val]AMAVIQQKMD

ClinVar aggregate classification (germline): Uncertain significance. Review status: criteria provided, multiple submitters, no conflicts (2 of 4 stars). 2 submissions from 2 submitters: Uncertain significance (2). Last evaluated 2024-12-05.

Allele frequency attached by ClinVar (database versions not stated): ExAC 0.00002.
gnomAD v4.1: 57 of 1,613,722 alleles (0.0035%); highest among the groups gnomAD compares: Non-Finnish European, 0.0045%; no homozygotes.

Submissions (2):

Ambry Genetics
Classification: Uncertain significance. Last evaluated: 2024-12-05. Review status: criteria provided, single submitter. Criteria: Ambry Variant Classification Scheme 2023. Collection method: clinical testing. Allele origin: germline.

GeneDx
Classification: Uncertain significance. Last evaluated: 2023-11-29. Review status: criteria provided, single submitter. Criteria: GeneDx Variant Classification Process June 2021. Collection method: clinical testing. Allele origin: germline. Affected: yes.
Comment: In silico analysis supports that this missense variant does not alter protein structure/function; Has not been previously published as pathogenic or benign to our knowledge